The following is an entry in ClinVar:

NM_015971.4(MRPS7):c.84-3C>G

Gene: MRPS7 (mitochondrial ribosomal protein S7; plus strand). Cytogenetic location: 17q25.1.
Variant type: single nucleotide variant.
Coding change: c.84-3C>G on transcript NM_015971.4 (MANE Select); 3 bases into the intron before coding-DNA position 84, C replaced by G.
Molecular consequence: intron variant.
Genome position (GRCh38, 1-based): chr17:75,262,494, C>G. VCF-style: chr17-75262494-C-G. GRCh37 (hg19) VCF-style: chr17-73258575-C-G.
Identifiers: ClinVar variation 3612573 (VCV003612573.2).

ClinVar aggregate classification (germline): Uncertain significance (1 of 4 stars; one submission).

Submission:

Labcorp Genetics (formerly Invitae), Labcorp
Classification: Uncertain significance. Last evaluated: 2024-03-07. Review status: criteria provided, single submitter. Criteria: Invitae Variant Classification Sherloc (09022015). Collection method: clinical testing. Allele origin: germline.
Comment: This sequence change falls in intron 1 of the MRPS7 gene. It does not directly change the encoded amino acid sequence of the MRPS7 protein. It affects a nucleotide within the consensus splice site. This variant is not present in population databases (gnomAD no frequency). This variant has not been reported in the literature in individuals affected with MRPS7-related conditions. Variants that disrupt the consensus splice site are a relatively common cause of aberrant splicing (PMID: 17576681, 9536098). Algorithms developed to predict the effect of sequence changes on RNA splicing suggest that this variant may disrupt the consensus splice site. In summary, the available evidence is currently insufficient to determine the role of this variant in disease. Therefore, it has been classified as a Variant of Uncertain Significance.

Literature cited by the submitters: PubMed 17576681; PubMed 9536098.